The following is an entry in ClinVar:

ClinVar aggregate classification (germline): Uncertain significance (1 of 4 stars; one submission).

Conditions:
SCLT1-related disorder. Also called: SCLT1-related condition.

Submission:

PreventionGenetics, part of Exact Sciences
Classification: Uncertain significance for SCLT1-related condition. Last evaluated: 2025-10-15. Review status: criteria provided, single submitter. Criteria: ACMG Guidelines, 2015. Collection method: clinical testing. Allele origin: germline.
Comment: The SCLT1 c.235A>G variant is predicted to result in the amino acid substitution p.Lys79Glu. To our knowledge, this variant has not been reported in the literature or in a large population database (gnomAD), indicating this variant is rare. At this time, the clinical significance of this variant is uncertain due to the absence of conclusive functional and genetic evidence.

NM_144643.4(SCLT1):c.235A>G (p.Lys79Glu)

Gene: SCLT1 (sodium channel and clathrin linker 1; minus strand). Cytogenetic location: 4q28.2.
Variant type: single nucleotide variant.
Coding change: c.235A>G on transcript NM_144643.4 (MANE Select); coding-DNA position 235, A replaced by G.
Protein change: p.Lys79Glu; replaces lysine 79 with glutamic acid.
Molecular consequence: missense variant.
Genome position (GRCh38, 1-based): chr4:129,039,096, T>C on the plus strand (A>G on the coding strand, the complement: SCLT1 is on the minus strand). VCF-style: chr4-129039096-T-C. GRCh37 (hg19) VCF-style: chr4-129960251-T-C.
Other names: c.235A>G, p.Lys79Glu (NM_001300898.2, NM_001410807.1); short protein forms K79E.
Identifiers: ClinVar variation 4995054 (VCV004995054.1).
Genomic context (GRCh38, chr4:129,039,096, plus strand): 5'-TTTACCTTTCATTTTCCTTGATGACATTTTCAAGTTGTAATTTCATCTCACCCACCTGTT[T>C]CTGAAAGAATAAAATATGGTGTGGCAATACATTTTGCAGACAATCAGATCTCCATTAAGT-3'
Protein context (NP_653244.2, residues 69-89): ELNGQLKYYQ[Lys79Glu]QVGEMKLQLE